The following is an entry in ClinVar:

ClinVar aggregate classification (germline): Uncertain significance (1 of 4 stars; one submission).

Allele frequency attached by ClinVar (database versions not stated): TOPMed below 0.00001.
gnomAD v4.1: 3 of 1,611,560 alleles (0.00019%); highest among the groups gnomAD compares: Admixed American, 0.0017%; no homozygotes.

Submission:

Labcorp Genetics (formerly Invitae), Labcorp
Classification: Uncertain significance. Last evaluated: 2022-08-09. Review status: criteria provided, single submitter. Criteria: Invitae Variant Classification Sherloc (09022015). Collection method: clinical testing. Allele origin: germline.
Comment: In summary, the available evidence is currently insufficient to determine the role of this variant in disease. Therefore, it has been classified as a Variant of Uncertain Significance. Algorithms developed to predict the effect of missense changes on protein structure and function are either unavailable or do not agree on the potential impact of this missense change (SIFT: "Deleterious"; PolyPhen-2: "Probably Damaging"; Align-GVGD: "Class C0"). ClinVar contains an entry for this variant (Variation ID: 1517116). This variant has not been reported in the literature in individuals affected with CARMIL2-related conditions. This variant is not present in population databases (gnomAD no frequency). This sequence change replaces arginine, which is basic and polar, with tryptophan, which is neutral and slightly polar, at codon 1137 of the CARMIL2 protein (p.Arg1137Trp).

NM_001013838.3(CARMIL2):c.3409C>T (p.Arg1137Trp)

Gene: CARMIL2 (capping protein regulator and myosin 1 linker 2; plus strand). Cytogenetic location: 16q22.1.
Variant type: single nucleotide variant.
Coding change: c.3409C>T on transcript NM_001013838.3 (MANE Select); coding-DNA position 3409, C replaced by T.
Protein change: p.Arg1137Trp; replaces arginine 1137 with tryptophan.
Molecular consequence: missense variant.
Genome position (GRCh38, 1-based): chr16:67,654,519, C>T. VCF-style: chr16-67654519-C-T. GRCh37 (hg19) VCF-style: chr16-67688422-C-T.
Other names: c.3301C>T, p.Arg1101Trp (NM_001317026.3); short protein forms R1101W, R1137W.
Identifiers: ClinVar variation 1517116 (VCV001517116.7), dbSNP rs1166768624, ClinGen allele CA396344813.